The following is an entry in ClinVar:

NM_138927.4(SON):c.5397_5400del (p.His1800fs)

Gene: SON (SON DNA and RNA binding protein; plus strand). Cytogenetic location: 21q22.11.
Variant type: Deletion.
Coding change: c.5397_5400del on transcript NM_138927.4 (MANE Select); coding-DNA positions 5397 to 5400, 4 bases deleted (TCAC; older notation c.5397_5400delTCAC).
Protein change: p.His1800fs; shifts the reading frame from histidine 1800.
Molecular consequence: frameshift variant. On other transcripts: non-coding transcript variant (1), intron variant (1).
Genome position (GRCh38, 1-based): chr21:33,554,628-33,554,631, TCAC deleted; deleting any 4 consecutive bases within chr21:33,554,625-33,554,631 gives the same sequence; the c. name uses the placement nearest the transcript's 3' end. VCF-style (leftmost placement, unchanged base first): chr21-33554624-ACACT-A. GRCh37 (hg19) VCF-style: chr21-34926930-ACACT-A.
Other names: c.5397_5400del, p.His1800fs (NM_001291411.2, NM_032195.3); c.245-2528_245-2525del (NM_001291412.3); short protein forms H1800fs.
Identifiers: ClinVar variation 4871915 (VCV004871915.2).

ClinVar aggregate classification (germline): Pathogenic (1 of 4 stars; one submission).

Submission:

CeGaT Center for Human Genetics Tuebingen
Classification: Pathogenic. Last evaluated: 2026-05-01. Review status: criteria provided, single submitter. Criteria: CeGaT Center For Human Genetics Tuebingen Variant Classification Criteria Version 2. Collection method: clinical testing. Allele origin: germline. Affected: yes. Observed: 1 variant allele.
Comment: SON: PVS1, PM2